The following is an entry in ClinVar:

NM_006420.3(ARFGEF2):c.4213G>A (p.Ala1405Thr)

Gene: ARFGEF2 (ARF guanine nucleotide exchange factor 2; plus strand). Cytogenetic location: 20q13.13.
Variant type: single nucleotide variant.
Coding change: c.4213G>A on transcript NM_006420.3 (MANE Select); coding-DNA position 4213, G replaced by A.
Protein change: p.Ala1405Thr; replaces alanine 1405 with threonine.
Molecular consequence: missense variant.
Genome position (GRCh38, 1-based): chr20:49,016,313, G>A. VCF-style: chr20-49016313-G-A. GRCh37 (hg19) VCF-style: chr20-47632850-G-A.
Other names: c.4210G>A, p.Ala1404Thr (NM_001410846.1); short protein forms A1404T, A1405T.
Identifiers: ClinVar variation 4682252 (VCV004682252.1).

ClinVar aggregate classification (germline): Uncertain significance (1 of 4 stars; one submission).

gnomAD v4.1: 14 of 1,613,806 alleles (0.00087%); highest among the groups gnomAD compares: Admixed American, 0.0067%; no homozygotes.

Submission:

Athena Diagnostics
Classification: Uncertain significance. Last evaluated: 2025-01-31. Review status: criteria provided, single submitter. Criteria: Athena Diagnostics Criteria. Collection method: clinical testing. Allele origin: unknown.
Comment: Available data are insufficient to determine the clinical significance of the variant at this time. The frequency of this variant in the general population is uninformative in assessment of its pathogenicity. Polyphen and MutationTaster yielded discordant predictions regarding whether this amino acid change is damaging to the protein.